The following is an entry in ClinVar:

NM_000540.3(RYR1):c.9624G>A (p.Pro3208=)

Gene: RYR1 (ryanodine receptor 1; plus strand). Cytogenetic location: 19q13.2.
Variant type: single nucleotide variant.
Coding change: c.9624G>A on transcript NM_000540.3 (MANE Select); coding-DNA position 9624, G replaced by A.
Protein change: p.Pro3208=; no amino-acid change (proline 3208 retained).
Molecular consequence: synonymous variant.
Genome position (GRCh38, 1-based): chr19:38,516,156, G>A. VCF-style: chr19-38516156-G-A. GRCh37 (hg19) VCF-style: chr19-39006796-G-A.
Other names: c.9624G>A, p.Pro3208= (NM_001042723.2).
Identifiers: ClinVar variation 1566500 (VCV001566500.10), dbSNP rs552470353, ClinGen allele CA507246961.

ClinVar aggregate classification (germline): Likely benign. Review status: criteria provided, multiple submitters, no conflicts (2 of 4 stars). 3 submissions from 3 submitters: Likely benign (3). Last evaluated 2024-02-09.

Conditions:
Malignant hyperthermia, susceptibility to, 1 (MHS1). Also called: RYR1-Related Malignant Hyperthermia Susceptibility; Malignant hyperthermia suceptibility 1; Anesthesia related hyperthermia; Malignant hyperpyrexia; Fulminating hyperpyrexia; Pharmacogenic myopathy. Identifiers: Orphanet 423, MedGen C2930980, MONDO:0007783, OMIM 145600.
RYR1-related disorder. Also called: RYR1-related condition; RYR1-related disorders. Identifiers: MedGen CN239331.

gnomAD v4.1: 7 of 1,557,258 alleles (0.00045%); highest among the groups gnomAD compares: African/African-American, 0.0027%; no homozygotes.

Submissions (3):

Labcorp Genetics (formerly Invitae), Labcorp
Classification: Likely benign for RYR1-related disorder. Last evaluated: 2024-02-09. Review status: criteria provided, single submitter. Criteria: Invitae Variant Classification Sherloc (09022015). Collection method: clinical testing. Allele origin: germline.

All of Us Research Program, National Institutes of Health
Classification: Likely benign for Malignant hyperthermia, susceptibility to, 1. Last evaluated: 2023-12-13. Review status: criteria provided, single submitter. Criteria: ACMG Guidelines, 2015. Collection method: clinical testing. Allele origin: germline. Inheritance: Autosomal dominant inheritance. Observed: 4 variant alleles, 4 heterozygotes.
Comment: This study involves interpretation of variants in research participants for the purpose of population health screening. Participant phenotype was not available at the time of variant classification. Additional details can be found in publication PMID: 35346344, PMCID: PMC8962531

Blueprint Genetics
Classification: Likely benign. Last evaluated: 2023-10-30. Review status: criteria provided, single submitter. Criteria: ACMG Guidelines, 2015. Collection method: clinical testing. Allele origin: germline.